The following is an entry in ClinVar:

NM_022166.4(XYLT1):c.2413T>A (p.Phe805Ile)

Gene: XYLT1 (xylosyltransferase 1; minus strand). Cytogenetic location: 16p12.3.
Variant type: single nucleotide variant.
Coding change: c.2413T>A on transcript NM_022166.4 (MANE Select); coding-DNA position 2413, T replaced by A.
Protein change: p.Phe805Ile; replaces phenylalanine 805 with isoleucine.
Molecular consequence: missense variant.
Genome position (GRCh38, 1-based): chr16:17,117,790, A>T on the plus strand (T>A on the coding strand, the complement: XYLT1 is on the minus strand). VCF-style: chr16-17117790-A-T. GRCh37 (hg19) VCF-style: chr16-17211647-A-T.
Other names: short protein forms F805I.
Identifiers: ClinVar variation 2502611 (VCV002502611.2), dbSNP rs1446613450, ClinGen allele CA395218450.
Genomic context (GRCh38, chr16:17,117,790, plus strand): 5'-TTTTCACTGTCCAGACCCCAGGCCTCAGGGGCAAGTTCAAAGGGGGCTTGTAGTGTGTGA[A>T]TTCGGCAGTGGACTCAATGAGGATGTCGTAGGTGGCTGCGATGACATTGACGGGATCCAC-3'
Protein context (NP_071449.1, residues 795-815): YDILIESTAE[Phe805Ile]THYKPPLNLP

ClinVar aggregate classification (germline): Uncertain significance. Review status: criteria provided, multiple submitters, no conflicts (2 of 4 stars). 2 submissions from 2 submitters: Uncertain significance (2). Last evaluated 2025-03-20.

Conditions:
Inborn genetic diseases. Identifiers: MedGen C0950123, MeSH D030342.

Allele frequency attached by ClinVar (database versions not stated): TOPMed 0.00001.
gnomAD v4.1: 2 of 1,614,156 alleles (0.00012%); highest among the groups gnomAD compares: Admixed American, 0.0033%; no homozygotes.

Submissions (2):

Ambry Genetics
Classification: Uncertain significance for Inborn genetic diseases. Last evaluated: 2025-03-20. Review status: criteria provided, single submitter. Criteria: Ambry Variant Classification Scheme 2023. Collection method: clinical testing. Allele origin: germline.

GeneDx
Classification: Uncertain significance. Last evaluated: 2022-11-21. Review status: criteria provided, single submitter. Criteria: GeneDx Variant Classification Process June 2021. Collection method: clinical testing. Allele origin: germline. Affected: yes.
Comment: Not observed at significant frequency in large population cohorts (gnomAD); In silico analysis supports that this missense variant does not alter protein structure/function; Has not been previously published as pathogenic or benign to our knowledge